The following is an entry in ClinVar:

ClinVar aggregate classification (germline): Uncertain significance. Review status: criteria provided, multiple submitters, no conflicts (2 of 4 stars). 3 submissions from 3 submitters: Uncertain significance (3). Last evaluated 2025-05-14.

Conditions:
Ataxia-telangiectasia syndrome (AT). Also called: ATAXIA-TELANGIECTASIA, FRESNO VARIANT; Ataxia-telangiectasia, complementation group E; Ataxia telangiectasia (A-T); LOUIS-BAR SYNDROME; Ataxia-telangiectasia, complementation group D; AT, COMPLEMENTATION GROUP C. Identifiers: Orphanet 100, MedGen C0004135, MONDO:0008840, OMIM 208900.
Hereditary cancer-predisposing syndrome. Also called: Hereditary neoplastic syndrome; Hereditary Cancer Syndrome; Tumor predisposition; Neoplastic Syndromes, Hereditary. Identifiers: Orphanet 140162, MedGen C0027672, MeSH D009386, MONDO:0015356.

Submissions (3):

Labcorp Genetics (formerly Invitae), Labcorp
Classification: Uncertain significance for Ataxia-telangiectasia syndrome. Last evaluated: 2025-05-14. Review status: criteria provided, single submitter. Criteria: Invitae Variant Classification Sherloc (09022015). Collection method: clinical testing. Allele origin: germline.
Comment: This sequence change replaces glutamic acid, which is acidic and polar, with alanine, which is neutral and non-polar, at codon 1142 of the ATM protein (p.Glu1142Ala). This variant is not present in population databases (gnomAD no frequency). This variant has not been reported in the literature in individuals affected with ATM-related conditions. ClinVar contains an entry for this variant (Variation ID: 971411). Invitae Evidence Modeling of protein sequence and biophysical properties (such as structural, functional, and spatial information, amino acid conservation, physicochemical variation, residue mobility, and thermodynamic stability) indicates that this missense variant is not expected to disrupt ATM protein function with a negative predictive value of 95%. In summary, the available evidence is currently insufficient to determine the role of this variant in disease. Therefore, it has been classified as a Variant of Uncertain Significance.

Ambry Genetics
Classification: Uncertain significance for Hereditary cancer-predisposing syndrome. Last evaluated: 2024-12-26. Review status: criteria provided, single submitter. Criteria: Ambry Variant Classification Scheme 2023. Collection method: clinical testing. Allele origin: germline.
Comment: The p.E1142A variant (also known as c.3425A>C), located in coding exon 23 of the ATM gene, results from an A to C substitution at nucleotide position 3425. The glutamic acid at codon 1142 is replaced by alanine, an amino acid with dissimilar properties. This amino acid position is conserved. In addition, this alteration is predicted to be tolerated by in silico analysis. Since supporting evidence is limited at this time, the clinical significance of this alteration remains unclear.

Color Diagnostics, LLC DBA Color Health
Classification: Uncertain significance for Hereditary cancer-predisposing syndrome. Last evaluated: 2020-10-20. Review status: criteria provided, single submitter. Criteria: ACMG Guidelines, 2015. Collection method: clinical testing. Allele origin: germline.
Comment: This missense variant replaces glutamic acid with alanine at codon 1142 of the ATM protein. Computational prediction suggests that this variant may not impact protein structure and function (internally defined REVEL score threshold <= 0.5, PMID: 27666373). To our knowledge, functional studies have not been reported for this variant. This variant has not been reported in individuals affected with hereditary cancer in the literature. This variant has not been identified in the general population by the Genome Aggregation Database (gnomAD). The available evidence is insufficient to determine the role of this variant in disease conclusively. Therefore, this variant is classified as a Variant of Uncertain Significance.

NM_000051.4(ATM):c.3425A>C (p.Glu1142Ala)

Gene: ATM (ATM serine/threonine kinase; plus strand). Cytogenetic location: 11q22.3.
Variant type: single nucleotide variant.
Coding change: c.3425A>C on transcript NM_000051.4 (MANE Select); coding-DNA position 3425, A replaced by C.
Protein change: p.Glu1142Ala; replaces glutamic acid 1142 with alanine.
Molecular consequence: missense variant.
Genome position (GRCh38, 1-based): chr11:108,281,017, A>C. VCF-style: chr11-108281017-A-C. GRCh37 (hg19) VCF-style: chr11-108151744-A-C.
Other names: c.3425A>C, p.Glu1142Ala (NM_001351834.2); short protein forms E1142A.
Identifiers: ClinVar variation 971411 (VCV000971411.15), dbSNP rs2082203682, ClinGen allele CA382519044.